The following is an entry in ClinVar:

ClinVar aggregate classification (germline): Benign/Likely benign. Review status: criteria provided, multiple submitters, no conflicts (2 of 4 stars). 3 submissions from 3 submitters: Benign (1); Likely benign (1). 1 of the submissions does not count toward it. Last evaluated 2026-01-26.

Conditions:
L1CAM-related disorder. Also called: L1CAM-related condition.
Spastic paraplegia. Identifiers: MedGen C0037772, HP:0001258.

Allele frequency attached by ClinVar (database versions not stated): gnomAD 0.00003 and 0.00005; TOPMed 0.00004; gnomAD exomes 0.00007 and 0.00015; ExAC 0.00016.

Submissions (3):

Labcorp Genetics (formerly Invitae), Labcorp
Classification: Benign for Spastic paraplegia. Last evaluated: 2026-01-26. Review status: criteria provided, single submitter. Criteria: Invitae Variant Classification Sherloc (09022015). Collection method: clinical testing. Allele origin: germline.

CeGaT Center for Human Genetics Tuebingen
Classification: Likely benign. Last evaluated: 2023-01-01. Review status: criteria provided, single submitter. Criteria: CeGaT Center For Human Genetics Tuebingen Variant Classification Criteria Version 2. Collection method: clinical testing. Allele origin: germline. Affected: yes. Observed: 1 variant allele.
Comment: L1CAM: BS2

PreventionGenetics, part of Exact Sciences
Classification: Likely benign for L1CAM-related condition. Last evaluated: 2020-08-25. Review status: no assertion criteria provided. Collection method: clinical testing. Allele origin: germline. Not counted in ClinVar's aggregate classification.
Comment: This variant is classified as likely benign based on ACMG/AMP sequence variant interpretation guidelines (Richards et al. 2015 PMID: 25741868, with internal and published modifications).

NM_001278116.2(L1CAM):c.1261G>A (p.Val421Ile)

Gene: L1CAM (L1 cell adhesion molecule; minus strand). Cytogenetic location: Xq28.
Variant type: single nucleotide variant.
Coding change: c.1261G>A on transcript NM_001278116.2 (MANE Select); coding-DNA position 1261, G replaced by A.
Protein change: p.Val421Ile; replaces valine 421 with isoleucine.
Molecular consequence: missense variant.
Genome position (GRCh38, 1-based): chrX:153,869,526, C>T on the plus strand (G>A on the coding strand, the complement: L1CAM is on the minus strand). VCF-style: chrX-153869526-C-T. GRCh37 (hg19) VCF-style: chrX-153134981-C-T.
Other names: c.1261G>A (NM_000425.4); c.1261G>A, p.Val421Ile (NM_000425.5, NM_024003.3); c.1246G>A, p.Val416Ile (NM_001143963.2); short protein forms V416I, V421I.
Identifiers: ClinVar variation 1592012 (VCV001592012.33), dbSNP rs200006286, ClinGen allele CA10554403.